The following is an entry in ClinVar:

NM_001332.4(CTNND2):c.1520A>C (p.Gln507Pro)

Gene: CTNND2 (catenin delta 2; minus strand). Cytogenetic location: 5p15.2.
Variant type: single nucleotide variant.
Coding change: c.1520A>C on transcript NM_001332.4 (MANE Select); coding-DNA position 1520, A replaced by C.
Protein change: p.Gln507Pro; replaces glutamine 507 with proline.
Molecular consequence: missense variant. On other transcripts: non-coding transcript variant (1).
Genome position (GRCh38, 1-based): chr5:11,346,480, T>G on the plus strand (A>C on the coding strand, the complement: CTNND2 is on the minus strand). VCF-style: chr5-11346480-T-G. GRCh37 (hg19) VCF-style: chr5-11346592-T-G.
Other names: c.1247A>C, p.Gln416Pro (NM_001288715.1); c.509A>C, p.Gln170Pro (NM_001288716.1, NM_001364128.2); c.221A>C, p.Gln74Pro (NM_001288717.2); short protein forms Q507P, Q170P, Q416P, Q74P.
Identifiers: ClinVar variation 444649 (VCV000444649.47), dbSNP rs142843736, ClinGen allele CA3200842.
Genomic context (GRCh38, chr5:11,346,480, plus strand): 5'-CCTTCAGGCGGGAGAGCAGGGCCGGATTTGCTGTATGGAGACTCAACAGAGGGACAATAC[T>G]GCAGCTGTCGGTAGGGGTCCGCGTAATTGGAGGCTGGGCCGGCGGCATAGCTGGCCCTCT-3'
Protein context (NP_001323.1, residues 497-517): SNYADPYRQL[Gln507Pro]YCPSVESPYS

ClinVar aggregate classification (germline): Conflicting classifications of pathogenicity. Review status: criteria provided, conflicting classifications (1 of 4 stars). 4 submissions from 4 submitters: Uncertain significance (1); Likely benign (1). 2 of the submissions do not count toward it. Last evaluated 2025-03-04.

Allele frequency attached by ClinVar (database versions not stated): gnomAD 0.00027 and 0.00025; ESP Exome Variant Server 0.00031; ExAC 0.00036; gnomAD exomes 0.00041 and 0.00026; TOPMed 0.00015.
gnomAD v4.1: 404 of 1,603,868 alleles (0.025%); highest among the groups gnomAD compares: Non-Finnish European, 0.022%; no homozygotes.

Submissions (4):

Center for Genomic Medicine, Rigshospitalet, Copenhagen University Hospital
Classification: Uncertain significance. Last evaluated: 2025-03-04. Review status: criteria provided, single submitter. Criteria: ACMG Guidelines, 2015. Collection method: clinical testing. Allele origin: germline.

CeGaT Center for Human Genetics Tuebingen
Classification: Likely benign. Last evaluated: 2024-05-01. Review status: criteria provided, single submitter. Criteria: CeGaT Center For Human Genetics Tuebingen Variant Classification Criteria Version 2. Collection method: clinical testing. Allele origin: germline. Affected: yes. Observed: 2 variant alleles.
Comment: CTNND2: BS2

Clinical Genetics DNA and cytogenetics Diagnostics Lab, Erasmus MC, Erasmus Medical Center
Classification: Uncertain significance. Review status: no assertion criteria provided. Collection method: clinical testing. Allele origin: germline. Affected: yes. Study: VKGL Data-share Consensus. Not counted in ClinVar's aggregate classification.

Joint Genome Diagnostic Labs from Nijmegen and Maastricht, Radboudumc and MUMC+
Classification: Uncertain significance. Review status: no assertion criteria provided. Collection method: clinical testing. Allele origin: germline. Affected: yes. Study: VKGL Data-share Consensus. Not counted in ClinVar's aggregate classification.

Literature cited by the submitters: PubMed 25807484 (cited by Center for Genomic Medicine, Rigshospitalet, Copenhagen University Hospital).